The following is an entry in ClinVar:

NM_022455.5(NSD1):c.1267G>A (p.Ala423Thr)

Gene: NSD1 (nuclear receptor binding SET domain protein 1; plus strand). Cytogenetic location: 5q35.3.
Variant type: single nucleotide variant.
Coding change: c.1267G>A on transcript NM_022455.5 (MANE Select); coding-DNA position 1267, G replaced by A.
Protein change: p.Ala423Thr; replaces alanine 423 with threonine.
Molecular consequence: missense variant.
Genome position (GRCh38, 1-based): chr5:177,209,666, G>A. VCF-style: chr5-177209666-G-A. GRCh37 (hg19) VCF-style: chr5-176636667-G-A.
Other names: c.394G>A, p.Ala132Thr (NM_001365684.2, NM_001409306.1, NM_001409307.1 and 3 more transcripts); c.1267G>A, p.Ala423Thr (NM_001409301.1, NM_001409302.1, NM_001409303.1); c.847G>A, p.Ala283Thr (NM_001409304.1); c.514G>A, p.Ala172Thr (NM_001409305.1); short protein forms A172T, A423T, A132T, A283T.
Identifiers: ClinVar variation 3644651 (VCV003644651.2).

ClinVar aggregate classification (germline): Uncertain significance (1 of 4 stars; one submission).

gnomAD v4.1: 2 of 1,613,886 alleles (0.00012%); highest among the groups gnomAD compares: Non-Finnish European, 0.00017%; no homozygotes.

Submission:

Labcorp Genetics (formerly Invitae), Labcorp
Classification: Uncertain significance. Last evaluated: 2024-07-14. Review status: criteria provided, single submitter. Criteria: Invitae Variant Classification Sherloc (09022015). Collection method: clinical testing. Allele origin: germline.
Comment: This sequence change replaces alanine, which is neutral and non-polar, with threonine, which is neutral and polar, at codon 423 of the NSD1 protein (p.Ala423Thr). This variant is not present in population databases (gnomAD no frequency). This variant has not been reported in the literature in individuals affected with NSD1-related conditions. Advanced modeling of protein sequence and biophysical properties (such as structural, functional, and spatial information, amino acid conservation, physicochemical variation, residue mobility, and thermodynamic stability) performed at Invitae indicates that this missense variant is not expected to disrupt NSD1 protein function with a negative predictive value of 95%. In summary, the available evidence is currently insufficient to determine the role of this variant in disease. Therefore, it has been classified as a Variant of Uncertain Significance.